The following is an entry in ClinVar:

ClinVar aggregate classification (germline): Conflicting classifications of pathogenicity. Review status: criteria provided, conflicting classifications (1 of 4 stars). 4 submissions from 4 submitters: Uncertain significance (3); Likely benign (1). Last evaluated 2025-08-27.

Conditions:
Generalized epilepsy with febrile seizures plus, type 9 (GEFSP9). Also called: GEFS+, TYPE 9. Identifiers: Orphanet 36387, MedGen C4015395, MONDO:0014517, OMIM 616172.
Inborn genetic diseases. Identifiers: MedGen C0950123, MeSH D030342.

Allele frequency attached by ClinVar (database versions not stated): ExAC 0.00002; gnomAD exomes 0.00002; TOPMed 0.00005; gnomAD 0.00006; ESP Exome Variant Server 0.00008.
gnomAD v4.1: 45 of 1,612,744 alleles (0.0028%); highest among the groups gnomAD compares: African/African-American, 0.0053%; no homozygotes.

Submissions (4):

Labcorp Genetics (formerly Invitae), Labcorp
Classification: Uncertain significance for Generalized epilepsy with febrile seizures plus, type 9. Last evaluated: 2025-08-27. Review status: criteria provided, single submitter. Criteria: Invitae Variant Classification Sherloc (09022015). Collection method: clinical testing. Allele origin: germline.
Comment: This sequence change replaces alanine, which is neutral and non-polar, with valine, which is neutral and non-polar, at codon 11 of the STX1B protein (p.Ala11Val). This variant is present in population databases (rs368619665, gnomAD 0.007%). This variant has not been reported in the literature in individuals affected with STX1B-related conditions. ClinVar contains an entry for this variant (Variation ID: 965289). An algorithm developed to predict the effect of missense changes on protein structure and function (PolyPhen-2) suggests that this variant is likely to be tolerated. In summary, the available evidence is currently insufficient to determine the role of this variant in disease. Therefore, it has been classified as a Variant of Uncertain Significance.

CeGaT Center for Human Genetics Tuebingen
Classification: Uncertain significance. Last evaluated: 2025-01-01. Review status: criteria provided, single submitter. Criteria: CeGaT Center For Human Genetics Tuebingen Variant Classification Criteria Version 2. Collection method: clinical testing. Allele origin: germline. Affected: yes. Observed: 1 variant allele.

Ambry Genetics
Classification: Likely benign for Inborn genetic diseases. Last evaluated: 2022-03-15. Review status: criteria provided, single submitter. Criteria: Ambry Variant Classification Scheme 2023. Collection method: clinical testing. Allele origin: germline.

Fulgent Genetics
Classification: Uncertain significance for Generalized epilepsy with febrile seizures plus, type 9. Last evaluated: 2021-10-15. Review status: criteria provided, single submitter. Criteria: ACMG Guidelines, 2015. Collection method: clinical testing. Allele origin: unknown.

NM_052874.5(STX1B):c.32C>T (p.Ala11Val)

Gene: STX1B (syntaxin 1B; minus strand). Cytogenetic location: 16p11.2.
Variant type: single nucleotide variant.
Coding change: c.32C>T on transcript NM_052874.5 (MANE Select); coding-DNA position 32, C replaced by T.
Protein change: p.Ala11Val; replaces alanine 11 with valine.
Molecular consequence: missense variant.
Genome position (GRCh38, 1-based): chr16:31,001,602, G>A on the plus strand (C>T on the coding strand, the complement: STX1B is on the minus strand). VCF-style: chr16-31001602-G-A. GRCh37 (hg19) VCF-style: chr16-31012923-G-A.
Other names: c.32C>T (NM_052874.3); short protein forms A11V.
Identifiers: ClinVar variation 965289 (VCV000965289.22), dbSNP rs368619665, ClinGen allele CA8018519.